The following is an entry in ClinVar:

NM_001370658.1(BTD):c.1180T>C (p.Tyr394His)

Gene: BTD (biotinidase; plus strand). Cytogenetic location: 3p25.1.
Variant type: single nucleotide variant.
Coding change: c.1180T>C on transcript NM_001370658.1 (MANE Select); coding-DNA position 1180, T replaced by C.
Protein change: p.Tyr394His; replaces tyrosine 394 with histidine.
Molecular consequence: missense variant. On other transcripts: intron variant (8).
Genome position (GRCh38, 1-based): chr3:15,645,096, T>C. VCF-style: chr3-15645096-T-C. GRCh37 (hg19) VCF-style: chr3-15686603-T-C.
Other names: c.1180T>C, p.Tyr394His (NM_001281723.4, NM_001281724.3, NM_001281725.3 and 16 more transcripts); c.1015+165T>C (NM_001370752.1, NM_001407379.1); c.399+3039T>C (NM_001370753.1, NM_001407400.1, NM_001407380.1 and 3 more transcripts); c.1240T>C, p.Tyr414His (NM_000060.4); short protein forms Y394H, Y414H.
Identifiers: ClinVar variation 1803456 (VCV001803456.5), dbSNP rs2125504669, ClinGen allele CA351608379.
Genomic context (GRCh38, chr3:15,645,096, plus strand): 5'-TTTCACTCTGAGATGATGTATGACAATTTCACCCTGGTCCCTGTCTGGGGAAAGGAAGGC[T>C]ATCTCCACGTCTGTTCCAATGGCCTCTGCTGTTATTTACTTTACGAGAGGCCCACCTTAT-3'
Protein context (NP_001357587.1, residues 384-404): TLVPVWGKEG[Tyr394His]LHVCSNGLCC

ClinVar aggregate classification (germline): Conflicting classifications of pathogenicity. Review status: criteria provided, conflicting classifications (1 of 4 stars). 3 submissions from 3 submitters: Uncertain significance (2); Likely benign (1). Last evaluated 2025-05-07.

Conditions:
BTD-related disorder. Also called: BTD-related condition.
Inborn genetic diseases. Identifiers: MedGen C0950123, MeSH D030342.

Allele frequency attached by ClinVar (database versions not stated): gnomAD exomes below 0.00001.
gnomAD v4.1: 1 of 1,614,100 alleles (0.000062%); highest among the groups gnomAD compares: South Asian, 0.0011%; no homozygotes.

Submissions (3):

PreventionGenetics, part of Exact Sciences
Classification: Uncertain significance for BTD-related condition. Last evaluated: 2025-05-07. Review status: criteria provided, single submitter. Criteria: ACMG Guidelines, 2015. Collection method: clinical testing. Allele origin: germline.
Comment: The BTD c.1240T>C variant is predicted to result in the amino acid substitution p.Tyr414His. To our knowledge, this variant has not been reported in the literature or in a large population database, indicating this variant is rare. At this time, the clinical significance of this variant is uncertain due to the absence of conclusive functional and genetic evidence.

Ambry Genetics
Classification: Likely benign for Inborn genetic diseases. Last evaluated: 2023-10-30. Review status: criteria provided, single submitter. Criteria: Ambry Variant Classification Scheme 2023. Collection method: clinical testing. Allele origin: germline.

GeneDx
Classification: Uncertain significance. Last evaluated: 2022-06-08. Review status: criteria provided, single submitter. Criteria: GeneDx Variant Classification Process June 2021. Collection method: clinical testing. Allele origin: germline. Affected: yes.
Comment: Not observed at significant frequency in large population cohorts (gnomAD); In silico analysis supports that this missense variant does not alter protein structure/function; Has not been previously published as pathogenic or benign to our knowledge